The following is an entry in ClinVar:

NM_001093730.1(DYTN):c.330G>A (p.Ala110=)

Gene: DYTN (dystrotelin; minus strand). Cytogenetic location: 2q33.3.
Variant type: single nucleotide variant.
Coding change: c.330G>A on transcript NM_001093730.1 (MANE Select); coding-DNA position 330, G replaced by A.
Protein change: p.Ala110=; no amino-acid change (alanine 110 retained).
Molecular consequence: synonymous variant.
Genome position (GRCh38, 1-based): chr2:206,705,840, C>T on the plus strand (G>A on the coding strand, the complement: DYTN is on the minus strand). VCF-style: chr2-206705840-C-T. GRCh37 (hg19) VCF-style: chr2-207570564-C-T.
Identifiers: ClinVar variation 2651843 (VCV002651843.24), dbSNP rs575918931, ClinGen allele CA2074177.

ClinVar aggregate classification (germline): Likely benign (1 of 4 stars; one submission).

Allele frequency attached by ClinVar (database versions not stated): TOPMed 0.00007; gnomAD 0.00010; gnomAD exomes 0.00015; 1000 Genomes Project 30x 0.00016; ExAC 0.00018; 1000 Genomes Project 0.00020.
gnomAD v4.1: 233 of 1,613,706 alleles (0.014%); highest among the groups gnomAD compares: Middle Eastern, 0.18%; 1 homozygote.

Submission:

CeGaT Center for Human Genetics Tuebingen
Classification: Likely benign. Last evaluated: 2023-02-01. Review status: criteria provided, single submitter. Criteria: CeGaT Center For Human Genetics Tuebingen Variant Classification Criteria Version 2. Collection method: clinical testing. Allele origin: germline. Affected: yes. Observed: 1 variant allele.
Comment: DYTN: BP4, BP7